The following is an entry in ClinVar:

ClinVar aggregate classification (germline): Uncertain significance (1 of 4 stars; one submission).

Conditions:
Gorlin syndrome. Also called: Nevoid Basal Cell Carcinoma Syndrome; Basal cell nevus syndrome. Identifiers: Orphanet 377, MedGen C0004779, MONDO:0007187.

Submission:

Labcorp Genetics (formerly Invitae), Labcorp
Classification: Uncertain significance for Gorlin syndrome. Last evaluated: 2022-08-03. Review status: criteria provided, single submitter. Criteria: Invitae Variant Classification Sherloc (09022015). Collection method: clinical testing. Allele origin: germline.
Comment: This sequence change creates a premature translational stop signal (p.Ala196Profs*43) in the PTCH2 gene. It is expected to result in an absent or disrupted protein product. However, the current clinical and genetic evidence is not sufficient to establish whether loss-of-function variants in PTCH2 cause disease. This variant is not present in population databases (gnomAD no frequency). In summary, the available evidence is currently insufficient to determine the role of this variant in disease. Therefore, it has been classified as a Variant of Uncertain Significance. This variant has not been reported in the literature in individuals affected with PTCH2-related conditions.

NM_003738.5(PTCH2):c.586del (p.Ala196fs)

Gene: PTCH2 (patched 2; minus strand). Cytogenetic location: 1p34.1.
Variant type: Deletion.
Coding change: c.586del on transcript NM_003738.5 (MANE Select); coding-DNA position 586, one base deleted (G; older notation c.586delG).
Protein change: p.Ala196fs; shifts the reading frame from alanine 196.
Molecular consequence: frameshift variant.
Genome position (GRCh38, 1-based): chr1:44,831,737, C deleted on the plus strand (G on the coding strand, the reverse complement: PTCH2 is on the minus strand). VCF-style (leftmost placement, unchanged base first): chr1-44831736-GC-G. GRCh37 (hg19) VCF-style: chr1-45297408-GC-G.
Other names: c.586del, p.Ala196fs (NM_001166292.2); short protein forms A196fs.
Identifiers: ClinVar variation 2021235 (VCV002021235.4), dbSNP rs2522006046, ClinGen allele CA2580062921.